The following is an entry in ClinVar:

NM_001197293.3(DPYSL2):c.909C>T (p.His303=)

Gene: DPYSL2 (dihydropyrimidinase like 2; plus strand). Cytogenetic location: 8p21.2.
Variant type: single nucleotide variant.
Coding change: c.909C>T on transcript NM_001197293.3 (MANE Select); coding-DNA position 909, C replaced by T.
Protein change: p.His303=; no amino-acid change (histidine 303 retained).
Molecular consequence: synonymous variant.
Genome position (GRCh38, 1-based): chr8:26,627,268, C>T. VCF-style: chr8-26627268-C-T. GRCh37 (hg19) VCF-style: chr8-26484784-C-T.
Other names: c.486C>T, p.His162= (NM_001244604.2); c.594C>T, p.His198= (NM_001386.6).
Identifiers: ClinVar variation 4681486 (VCV004681486.5).

ClinVar aggregate classification (germline): Likely benign (1 of 4 stars; one submission).

gnomAD v4.1: 167 of 1,614,172 alleles (0.01%); highest among the groups gnomAD compares: African/African-American, 0.053%; no homozygotes.

Submission:

CeGaT Center for Human Genetics Tuebingen
Classification: Likely benign. Last evaluated: 2025-12-01. Review status: criteria provided, single submitter. Criteria: CeGaT Center For Human Genetics Tuebingen Variant Classification Criteria Version 2. Collection method: clinical testing. Allele origin: germline. Affected: yes. Observed: 1 variant allele.
Comment: DPYSL2: BP4, BP7